The following is an entry in ClinVar:

NM_000238.4(KCNH2):c.536C>T (p.Ser179Leu)

Gene: KCNH2 (potassium voltage-gated channel subfamily H member 2; minus strand). Cytogenetic location: 7q36.1.
Variant type: single nucleotide variant.
Coding change: c.536C>T on transcript NM_000238.4 (MANE Select); coding-DNA position 536, C replaced by T.
Protein change: p.Ser179Leu; replaces serine 179 with leucine.
Molecular consequence: missense variant.
Genome position (GRCh38, 1-based): chr7:150,958,439, G>A on the plus strand (C>T on the coding strand, the complement: KCNH2 is on the minus strand). VCF-style: chr7-150958439-G-A. GRCh37 (hg19) VCF-style: chr7-150655527-G-A.
Other names: c.248C>T, p.Ser83Leu (NM_001406753.1, NM_001406756.1); c.359C>T, p.Ser120Leu (NM_001406755.1); c.236C>T, p.Ser79Leu (NM_001406757.1); c.536C>T, p.Ser179Leu (NM_172056.3); short protein forms S179L, S83L, S120L, S79L.
Identifiers: ClinVar variation 1381911 (VCV001381911.7), dbSNP rs1420527867, ClinGen allele CA369863394.

ClinVar aggregate classification (germline): Uncertain significance (1 of 4 stars; one submission).

Conditions:
Long QT syndrome (LQTS). Identifiers: MedGen C0023976, MeSH D008133, MONDO:0002442. Disease mechanism: loss of function. Inheritance: Various modes of inheritance.

Allele frequency attached by ClinVar (database versions not stated): TOPMed below 0.00001.
gnomAD v4.1: 5 of 1,463,374 alleles (0.00034%); highest among the groups gnomAD compares: East Asian, 0.003%; no homozygotes.

Submission:

Labcorp Genetics (formerly Invitae), Labcorp
Classification: Uncertain significance for Long QT syndrome. Last evaluated: 2025-11-12. Review status: criteria provided, single submitter. Criteria: Invitae Variant Classification Sherloc (09022015). Collection method: clinical testing. Allele origin: germline.
Comment: This sequence change replaces serine, which is neutral and polar, with leucine, which is neutral and non-polar, at codon 179 of the KCNH2 protein (p.Ser179Leu). This variant is not present in population databases (gnomAD no frequency). This variant has not been reported in the literature in individuals affected with KCNH2-related conditions. ClinVar contains an entry for this variant (Variation ID: 1381911). An algorithm developed to predict the effect of missense changes on protein structure and function (PolyPhen-2) suggests that this variant is likely to be tolerated. In summary, the available evidence is currently insufficient to determine the role of this variant in disease. Therefore, it has been classified as a Variant of Uncertain Significance.